The following is an entry in ClinVar:

NM_032578.4(MYPN):c.1802A>G (p.Asn601Ser)

Gene: MYPN (myopalladin; plus strand). Cytogenetic location: 10q21.3.
Variant type: single nucleotide variant.
Coding change: c.1802A>G on transcript NM_032578.4 (MANE Select); coding-DNA position 1802, A replaced by G.
Protein change: p.Asn601Ser; replaces asparagine 601 with serine.
Molecular consequence: missense variant. On other transcripts: non-coding transcript variant (2).
Genome position (GRCh38, 1-based): chr10:68,166,495, A>G. VCF-style: chr10-68166495-A-G. GRCh37 (hg19) VCF-style: chr10-69926252-A-G.
Other names: c.1802A>G, p.Asn601Ser (NM_001256267.2); c.920A>G, p.Asn307Ser (NM_001256268.2); short protein forms N307S, N601S.
Identifiers: ClinVar variation 846806 (VCV000846806.10), dbSNP rs2043056360, ClinGen allele CA376840259.

ClinVar aggregate classification (germline): Uncertain significance (1 of 4 stars; one submission).

Conditions:
Dilated cardiomyopathy 1KK (CMD1KK). Identifiers: Orphanet 154, Orphanet 75249, MedGen C3714995, MONDO:0014100, OMIM 615248.

Submission:

Labcorp Genetics (formerly Invitae), Labcorp
Classification: Uncertain significance for Dilated cardiomyopathy 1KK. Last evaluated: 2019-12-13. Review status: criteria provided, single submitter. Criteria: Invitae Variant Classification Sherloc (09022015). Collection method: clinical testing. Allele origin: germline.
Comment: In summary, the available evidence is currently insufficient to determine the role of this variant in disease. Therefore, it has been classified as a Variant of Uncertain Significance. Algorithms developed to predict the effect of sequence changes on RNA splicing suggest that this variant may create or strengthen a splice site, but this prediction has not been confirmed by published transcriptional studies. Algorithms developed to predict the effect of missense changes on protein structure and function (SIFT, PolyPhen-2, Align-GVGD) all suggest that this variant is likely to be tolerated, but these predictions have not been confirmed by published functional studies and their clinical significance is uncertain. This variant has not been reported in the literature in individuals with MYPN-related conditions. This variant is not present in population databases (ExAC no frequency). This sequence change replaces asparagine with serine at codon 601 of the MYPN protein (p.Asn601Ser). The asparagine residue is moderately conserved and there is a small physicochemical difference between asparagine and serine.